The following is an entry in ClinVar:

ClinVar aggregate classification (germline): Uncertain significance (1 of 4 stars; one submission).

Conditions:
Charcot-Marie-Tooth disease type 2. Also called: Charcot-Marie-Tooth type 2. Identifiers: Orphanet 64746, MedGen C0270914, MONDO:0018993.

Submission:

Labcorp Genetics (formerly Invitae), Labcorp
Classification: Uncertain significance for Charcot-Marie-Tooth disease type 2. Last evaluated: 2018-04-01. Review status: criteria provided, single submitter. Criteria: Invitae Variant Classification Sherloc (09022015). Collection method: clinical testing. Allele origin: germline.
Comment: This sequence change replaces glutamic acid with glutamine at codon 125 of the GARS protein (p.Glu125Gln). The glutamic acid residue is highly conserved and there is a small physicochemical difference between glutamic acid and glutamine. This variant is not present in population databases (ExAC no frequency). This variant has not been reported in the literature in individuals with GARS-related disease. Algorithms developed to predict the effect of missense changes on protein structure and function (SIFT, PolyPhen-2, Align-GVGD) all suggest that this variant is likely to be disruptive, but these predictions have not been confirmed by published functional studies and their clinical significance is uncertain. A different missense substitution at this codon (p.Glu125Lys) has been determined to be pathogenic (PMID: 25356970). This suggests that the glutamic acid residue is critical for GARS protein function and that other missense substitutions at this position may also be pathogenic. In summary, the available evidence is currently insufficient to determine the role of this variant in disease. Therefore, it has been classified as a Variant of Uncertain Significance.

Literature cited by the submitters: PubMed 25356970.

NM_002047.4(GARS1):c.373G>C (p.Glu125Gln)

Gene: GARS1 (glycyl-tRNA synthetase 1; plus strand). Cytogenetic location: 7p14.3.
Variant type: single nucleotide variant.
Coding change: c.373G>C on transcript NM_002047.4 (MANE Select); coding-DNA position 373, G replaced by C.
Protein change: p.Glu125Gln; replaces glutamic acid 125 with glutamine.
Molecular consequence: missense variant.
Genome position (GRCh38, 1-based): chr7:30,599,995, G>C. VCF-style: chr7-30599995-G-C. GRCh37 (hg19) VCF-style: chr7-30639611-G-C.
Other names: c.211G>C, p.Glu71Gln (NM_001316772.1); c.373G>C (LRG_243t1); short protein forms E125Q, E71Q.
Identifiers: ClinVar variation 572935 (VCV000572935.8), dbSNP rs797044855, ClinGen allele CA367139180.